The following is an entry in ClinVar:

ClinVar aggregate classification (germline): Likely benign (0 of 4 stars; one submission).

Conditions:
ERI1-related disorder. Also called: ERI1-related condition.

Allele frequency attached by ClinVar (database versions not stated): ExAC 0.00017; ESP Exome Variant Server 0.00085.
gnomAD v4.1: 191 of 1,535,684 alleles (0.012%); highest among the groups gnomAD compares: African/African-American, 0.22%; no homozygotes.

Submission:

PreventionGenetics, part of Exact Sciences
Classification: Likely benign for ERI1-related condition. Last evaluated: 2019-06-12. Review status: no assertion criteria provided. Collection method: clinical testing. Allele origin: germline.
Comment: This variant is classified as likely benign based on ACMG/AMP sequence variant interpretation guidelines (Richards et al. 2015 PMID: 25741868, with internal and published modifications).

NM_153332.4(ERI1):c.582+10C>T

Gene: ERI1 (exoribonuclease 1). Cytogenetic location: 8p23.1.
Variant type: single nucleotide variant.
Coding change: c.582+10C>T on transcript NM_153332.4 (MANE Select); 10 bases into the intron after coding-DNA position 582, C replaced by T.
Molecular consequence: intron variant.
Genome position (GRCh38, 1-based): chr8:9,016,415, C>T. VCF-style: chr8-9016415-C-T. GRCh37 (hg19) VCF-style: chr8-8873925-C-T.
Other names: c.582+10C>T (NM_001354638.2); c.237+10C>T (NM_001354636.2); c.348+10C>T (NM_001354635.2).
Identifiers: ClinVar variation 3034307 (VCV003034307.2), dbSNP rs113245883, ClinGen allele CA4619878.